The following is an entry in ClinVar:

NM_006277.3(ITSN2):c.2286T>C (p.Tyr762=)

Gene: ITSN2 (intersectin 2; minus strand). Cytogenetic location: 2p23.3.
Variant type: single nucleotide variant.
Coding change: c.2286T>C on transcript NM_006277.3 (MANE Select); coding-DNA position 2286, T replaced by C.
Protein change: p.Tyr762=; no amino-acid change (tyrosine 762 retained).
Molecular consequence: synonymous variant.
Genome position (GRCh38, 1-based): chr2:24,270,740, A>G on the plus strand (T>C on the coding strand, the complement: ITSN2 is on the minus strand). VCF-style: chr2-24270740-A-G. GRCh37 (hg19) VCF-style: chr2-24493609-A-G.
Other names: c.2244T>C, p.Tyr748= (NM_001348181.2); c.2166T>C, p.Tyr722= (NM_001348182.2, NM_001348186.2); c.2205T>C, p.Tyr735= (NM_001348183.2, NM_019595.4); c.2163T>C, p.Tyr721= (NM_001348184.2); c.2247T>C, p.Tyr749= (NM_001348185.2); c.2286T>C, p.Tyr762= (NM_147152.3).
Identifiers: ClinVar variation 3031265 (VCV003031265.4), dbSNP rs529026903, ClinGen allele CA1551222.

ClinVar aggregate classification (germline): Likely benign. Review status: criteria provided, single submitter (1 of 4 stars). 2 submissions from 2 submitters: Likely benign (1). 1 of the submissions does not count toward it. Last evaluated 2025-10-23.

Conditions:
ITSN2-related disorder. Also called: ITSN2-related condition.

Allele frequency attached by ClinVar (database versions not stated): gnomAD 0.00004; ExAC 0.00014; 1000 Genomes Project 30x 0.00031; gnomAD exomes 0.00001; 1000 Genomes Project 0.00020.
gnomAD v4.1: 21 of 1,596,582 alleles (0.0013%); highest among the groups gnomAD compares: East Asian, 0.027%; no homozygotes.

Submissions (2):

Labcorp Genetics (formerly Invitae), Labcorp
Classification: Likely benign. Last evaluated: 2025-10-23. Review status: criteria provided, single submitter. Criteria: Invitae Variant Classification Sherloc (09022015). Collection method: clinical testing. Allele origin: germline.

PreventionGenetics, part of Exact Sciences
Classification: Likely benign for ITSN2-related condition. Last evaluated: 2022-02-03. Review status: no assertion criteria provided. Collection method: clinical testing. Allele origin: germline. Not counted in ClinVar's aggregate classification.
Comment: This variant is classified as likely benign based on ACMG/AMP sequence variant interpretation guidelines (Richards et al. 2015 PMID: 25741868, with internal and published modifications).